The following is an entry in ClinVar:

ClinVar aggregate classification (germline): Pathogenic (1 of 4 stars; one submission).

Conditions:
Kabuki syndrome. Also called: NIIKAWA-KUROKI SYNDROME; Kabuki make-up syndrome. Identifiers: Orphanet 2322, MedGen C0796004, MONDO:0016512.

Submission:

Labcorp Genetics (formerly Invitae), Labcorp
Classification: Pathogenic for Kabuki syndrome. Last evaluated: 2018-10-15. Review status: criteria provided, single submitter. Criteria: Invitae Variant Classification Sherloc (09022015). Collection method: clinical testing. Allele origin: germline.
Comment: Loss-of-function variants in KMT2D are known to be pathogenic (PMID: 22126750). This sequence change creates a premature translational stop signal (p.Gln4239*) in the KMT2D gene. It is expected to result in an absent or disrupted protein product. This variant is not present in population databases (ExAC no frequency). This variant has not been reported in the literature in individuals with KMT2D-related disease. For these reasons, this variant has been classified as Pathogenic.

Literature cited by the submitters: PubMed 22126750.

NM_003482.4(KMT2D):c.12715C>T (p.Gln4239Ter)

Gene: KMT2D (lysine methyltransferase 2D; minus strand). Cytogenetic location: 12q13.12.
Variant type: single nucleotide variant.
Coding change: c.12715C>T on transcript NM_003482.4 (MANE Select); coding-DNA position 12715, C replaced by T.
Protein change: p.Gln4239Ter; replaces glutamine 4239 with a stop codon.
Molecular consequence: nonsense.
Genome position (GRCh38, 1-based): chr12:49,031,990, G>A on the plus strand (C>T on the coding strand, the complement: KMT2D is on the minus strand). VCF-style: chr12-49031990-G-A. GRCh37 (hg19) VCF-style: chr12-49425773-G-A.
Other names: short protein forms Q4239*.
Identifiers: ClinVar variation 652230 (VCV000652230.6), dbSNP rs1592117125, ClinGen allele CA384709663.